The following is an entry in ClinVar:

NM_000246.4(CIITA):c.835A>G (p.Thr279Ala)

Gene: CIITA (class II major histocompatibility complex transactivator; plus strand). Cytogenetic location: 16p13.13.
Variant type: single nucleotide variant.
Coding change: c.835A>G on transcript NM_000246.4 (MANE Select); coding-DNA position 835, A replaced by G.
Protein change: p.Thr279Ala; replaces threonine 279 with alanine.
Molecular consequence: missense variant. On other transcripts: non-coding transcript variant (1).
Genome position (GRCh38, 1-based): chr16:10,903,793, A>G. VCF-style: chr16-10903793-A-G. GRCh37 (hg19) VCF-style: chr16-10997650-A-G.
Other names: c.838A>G, p.Thr280Ala (NM_001286402.1, NM_001379332.1); c.688A>G, p.Thr230Ala (NM_001286403.2, NM_001379331.1); c.691A>G, p.Thr231Ala (NM_001379330.1); c.835A>G, p.Thr279Ala (NM_001379333.1); c.766A>G, p.Thr256Ala (NM_001379334.1); short protein forms T230A, T279A, T280A, T231A, T256A.
Identifiers: ClinVar variation 847659 (VCV000847659.5), dbSNP rs145961289, ClinGen allele CA7899924.

ClinVar aggregate classification (germline): Uncertain significance. Review status: criteria provided, multiple submitters, no conflicts (2 of 4 stars). 2 submissions from 2 submitters: Uncertain significance (2). Last evaluated 2024-11-19.

Conditions:
MHC class II deficiency. Also called: Bare lymphocyte syndrome 2; BLS, TYPE II. Identifiers: Orphanet 572, MedGen C5447452, MONDO:0008855.

Allele frequency attached by ClinVar (database versions not stated): ExAC 0.00013; gnomAD exomes 0.00014; ESP Exome Variant Server 0.00015; gnomAD 0.00018 and 0.00019; TOPMed 0.00031; 1000 Genomes Project 0.00060; 1000 Genomes Project 30x 0.00062.
gnomAD v4.1: 350 of 1,613,992 alleles (0.022%); highest among the groups gnomAD compares: Admixed American, 0.052%; no homozygotes.

Submissions (2):

Blueprint Genetics
Classification: Uncertain significance. Last evaluated: 2024-11-19. Review status: criteria provided, single submitter. Criteria: ACMG Guidelines, 2015. Collection method: clinical testing. Allele origin: germline.

Labcorp Genetics (formerly Invitae), Labcorp
Classification: Uncertain significance for MHC class II deficiency. Last evaluated: 2024-11-18. Review status: criteria provided, single submitter. Criteria: Invitae Variant Classification Sherloc (09022015). Collection method: clinical testing. Allele origin: germline.
Comment: This sequence change replaces threonine, which is neutral and polar, with alanine, which is neutral and non-polar, at codon 279 of the CIITA protein (p.Thr279Ala). This variant is present in population databases (rs145961289, gnomAD 0.03%). This variant has not been reported in the literature in individuals affected with CIITA-related conditions. ClinVar contains an entry for this variant (Variation ID: 847659). An algorithm developed to predict the effect of missense changes on protein structure and function (PolyPhen-2) suggests that this variant¬†is likely to be tolerated. In summary, the available evidence is currently insufficient to determine the role of this variant in disease. Therefore, it has been classified as a Variant of Uncertain Significance.